The following is an entry in ClinVar:

NM_005862.3(STAG1):c.1867G>A (p.Val623Ile)

Gene: STAG1 (STAG1 cohesin complex component; minus strand). Cytogenetic location: 3q22.3.
Variant type: single nucleotide variant.
Coding change: c.1867G>A on transcript NM_005862.3 (MANE Select); coding-DNA position 1867, G replaced by A.
Protein change: p.Val623Ile; replaces valine 623 with isoleucine.
Molecular consequence: missense variant.
Genome position (GRCh38, 1-based): chr3:136,422,580, C>T on the plus strand (G>A on the coding strand, the complement: STAG1 is on the minus strand). VCF-style: chr3-136422580-C-T. GRCh37 (hg19) VCF-style: chr3-136141422-C-T.
Other names: short protein forms V623I.
Identifiers: ClinVar variation 2880588 (VCV002880588.3), dbSNP rs377588470, ClinGen allele CA2632775.
Genomic context (GRCh38, chr3:136,422,580, plus strand): 5'-AGATACTATAGGTTTTACTGCAGGCTTCTAGAACATCTGATTCTACGTGTTTCTCCACAA[C>T]AAACTTAATCTGTTTTAATAAAGCATCCAGATGCTGAGGAGACAAAAAAAGAAAAACTGT-3'
Protein context (NP_005853.2, residues 613-633): LDALLKQIKF[Val623Ile]VEKHVESDVL

ClinVar aggregate classification (germline): Uncertain significance (1 of 4 stars; one submission).

Allele frequency attached by ClinVar (database versions not stated): gnomAD 0.00001; gnomAD exomes 0.00001; ExAC 0.00002; ESP Exome Variant Server 0.00008.
gnomAD v4.1: 11 of 1,613,742 alleles (0.00068%); highest among the groups gnomAD compares: Non-Finnish European, 0.00093%; no homozygotes.

Submission:

Labcorp Genetics (formerly Invitae), Labcorp
Classification: Uncertain significance. Last evaluated: 2024-04-16. Review status: criteria provided, single submitter. Criteria: Invitae Variant Classification Sherloc (09022015). Collection method: clinical testing. Allele origin: germline.
Comment: This sequence change replaces valine, which is neutral and non-polar, with isoleucine, which is neutral and non-polar, at codon 623 of the STAG1 protein (p.Val623Ile). This variant is present in population databases (rs377588470, gnomAD 0.003%). This variant has not been reported in the literature in individuals affected with STAG1-related conditions. Advanced modeling of protein sequence and biophysical properties (such as structural, functional, and spatial information, amino acid conservation, physicochemical variation, residue mobility, and thermodynamic stability) performed at Invitae indicates that this missense variant is not expected to disrupt STAG1 protein function with a negative predictive value of 95%. In summary, the available evidence is currently insufficient to determine the role of this variant in disease. Therefore, it has been classified as a Variant of Uncertain Significance.